The following is an entry in ClinVar:

NM_000051.4(ATM):c.8518T>C (p.Leu2840=)

Genes: ATM (ATM serine/threonine kinase; plus strand), C11orf65 (chromosome 11 open reading frame 65; minus strand). Cytogenetic location: 11q22.3.
Variant type: single nucleotide variant.
Coding change: c.8518T>C on transcript NM_000051.4 (MANE Select); coding-DNA position 8518, T replaced by C.
Protein change: p.Leu2840=; no amino-acid change (leucine 2840 retained).
Molecular consequence: synonymous variant. On other transcripts: intron variant (2).
Genome position (GRCh38, 1-based): chr11:108,345,842, T>C. VCF-style: chr11-108345842-T-C. GRCh37 (hg19) VCF-style: chr11-108216569-T-C.
Other names: c.8518T>C, p.Leu2840= (NM_001351834.2); c.641-36771A>G (NM_001330368.2); c.695-10550A>G (NM_001351110.2).
Identifiers: ClinVar variation 198010 (VCV000198010.20), dbSNP rs794727769, ClinGen allele CA246478.
Genomic context (GRCh38, chr11:108,345,842, plus strand): 5'-TTCATGGATGTTTGCCAAAATTTTCAACCAGTTTTCCGTTACTTCTGCATGGAAAAATTC[T>C]TGGATCCAGCTATTTGGTTTGAGAAGCGATTGGCTTATACGCGCAGTGTAGCTACTTCTT-3'
Protein context (NP_000042.3, residues 2830-2850): VFRYFCMEKF[Leu2840=]DPAIWFEKRL

ClinVar aggregate classification (germline): Conflicting classifications of pathogenicity. Review status: criteria provided, conflicting classifications (1 of 4 stars). 5 submissions from 5 submitters: Uncertain significance (1); Benign (1); Likely benign (3). Last evaluated 2025-06-01.

Conditions:
Hereditary cancer-predisposing syndrome. Also called: Hereditary Cancer Syndrome; Tumor predisposition; Neoplastic Syndromes, Hereditary; Hereditary neoplastic syndrome. Identifiers: Orphanet 140162, MedGen C0027672, MeSH D009386, MONDO:0015356.
Familial cancer of breast. Also called: hereditary breast carcinoma; BREAST CANCER, FAMILIAL; Hereditary breast cancer. Identifiers: Orphanet 227535, MedGen C0346153, MONDO:0016419, OMIM 114480. Disease mechanism: loss of function.
Ataxia-telangiectasia syndrome (AT). Also called: ATAXIA-TELANGIECTASIA, COMPLEMENTATION GROUP A; ATAXIA-TELANGIECTASIA, FRESNO VARIANT; Ataxia-telangiectasia; Ataxia-telangiectasia, complementation group E; Cerebello-oculocutaneous telangiectasia; Immunodeficiency with ataxia telangiectasia. Identifiers: Orphanet 100, MedGen C0004135, MONDO:0008840, OMIM 208900.

Allele frequency attached by ClinVar (database versions not stated): gnomAD exomes 0.00001.
gnomAD v4.1: 14 of 1,613,964 alleles (0.00087%); highest among the groups gnomAD compares: Non-Finnish European, 0.0011%; no homozygotes.

Submissions (5):

Labcorp Genetics (formerly Invitae), Labcorp
Classification: Likely benign for Ataxia-telangiectasia syndrome. Last evaluated: 2025-06-01. Review status: criteria provided, single submitter. Criteria: Invitae Variant Classification Sherloc (09022015). Collection method: clinical testing. Allele origin: germline.

Myriad Genetics, Inc.
Classification: Benign for Familial cancer of breast. Last evaluated: 2024-06-20. Review status: criteria provided, single submitter. Criteria: Myriad Autosomal Dominant, Autosomal Recessive and X-Linked Classification Criteria (2023). Collection method: clinical testing. Allele origin: unknown.
Comment: This variant is considered benign. This variant is a silent/synonymous amino acid change and it is not expected to impact splicing.

Color Diagnostics, LLC DBA Color Health
Classification: Likely benign for Hereditary cancer-predisposing syndrome. Last evaluated: 2017-10-05. Review status: criteria provided, single submitter. Criteria: ACMG Guidelines, 2015. Collection method: clinical testing. Allele origin: germline.

Ambry Genetics
Classification: Likely benign for Hereditary cancer-predisposing syndrome. Last evaluated: 2016-09-26. Review status: criteria provided, single submitter. Criteria: Ambry Variant Classification Scheme 2023. Collection method: clinical testing. Allele origin: germline.

Eurofins Ntd Llc (ga)
Classification: Uncertain significance. Last evaluated: 2014-11-21. Review status: criteria provided, single submitter. Criteria: EGL Classification Definitions 2015. Collection method: clinical testing. Allele origin: germline. Observed: 1 variant allele, 1 heterozygote.